The following is an entry in ClinVar:

ClinVar aggregate classification (germline): Likely benign (1 of 4 stars; one submission).

Conditions:
GPBAR1-related disorder. Also called: GPBAR1-related condition.

gnomAD v4.1: 1 of 1,608,116 alleles (0.000062%); highest among the groups gnomAD compares: Non-Finnish European, 0.000085%; no homozygotes.

Submission:

PreventionGenetics, part of Exact Sciences
Classification: Likely benign for GPBAR1-related condition. Last evaluated: 2025-09-24. Review status: criteria provided, single submitter. Criteria: ACMG Guidelines, 2015. Collection method: clinical testing. Allele origin: germline.
Comment: This variant is classified as likely benign based on ACMG/AMP sequence variant interpretation guidelines (Richards et al. 2015 PMID: 25741868, with internal and published modifications).

NM_170699.3(GPBAR1):c.513T>C (p.Tyr171=)

Gene: GPBAR1 (G protein-coupled bile acid receptor 1; plus strand). Cytogenetic location: 2q35.
Variant type: single nucleotide variant.
Coding change: c.513T>C on transcript NM_170699.3 (MANE Select); coding-DNA position 513, T replaced by C.
Protein change: p.Tyr171=; no amino-acid change (tyrosine 171 retained).
Molecular consequence: synonymous variant.
Genome position (GRCh38, 1-based): chr2:218,263,237, T>C. VCF-style: chr2-218263237-T-C. GRCh37 (hg19) VCF-style: chr2-219127960-T-C.
Other names: c.513T>C, p.Tyr171= (NM_001077191.2, NM_001077194.2, NM_001321950.2).
Identifiers: ClinVar variation 4977245 (VCV004977245.1).
Genomic context (GRCh38, chr2:218,263,237, plus strand): 5'-TGGTGCCAACTGCAGCTCCCAGGCTATCTTCCCAGCCCCCTACCTGTACCTCGAAGTCTA[T>C]GGGCTCCTGCTGCCCGCCGTGGGTGCTGCTGCCTTCCTCTCTGTCCGCGTGCTGGCCACT-3'
Protein context (NP_733800.1, residues 161-181): FPAPYLYLEV[Tyr171=]GLLLPAVGAA